The following is an entry in ClinVar:

ClinVar aggregate classification (germline): Uncertain significance (1 of 4 stars; one submission).

Allele frequency attached by ClinVar (database versions not stated): gnomAD exomes below 0.00001; TOPMed 0.00001; ExAC 0.00002; gnomAD 0.00002; ESP Exome Variant Server 0.00008.

Submission:

GeneDx
Classification: Uncertain significance. Last evaluated: 2019-02-04. Review status: criteria provided, single submitter. Criteria: GeneDx Variant Classification Process June 2021. Collection method: clinical testing. Allele origin: germline. Affected: yes.
Comment: Nonsense variant predicted to result in protein truncation, although loss-of-function variants have not been reported downstream of this position in the protein; Has not been previously published as pathogenic or benign to our knowledge

NM_024009.3(GJB3):c.646C>T (p.Arg216Ter)

Gene: GJB3 (gap junction protein beta 3; plus strand). Cytogenetic location: 1p34.3.
Variant type: single nucleotide variant.
Coding change: c.646C>T on transcript NM_024009.3 (MANE Select); coding-DNA position 646, C replaced by T.
Protein change: p.Arg216Ter; replaces arginine 216 with a stop codon.
Molecular consequence: nonsense.
Genome position (GRCh38, 1-based): chr1:34,785,408, C>T. VCF-style: chr1-34785408-C-T. GRCh37 (hg19) VCF-style: chr1-35251009-C-T.
Other names: c.646C>T, p.Arg216Ter (NM_001005752.2); short protein forms R216*.
Identifiers: ClinVar variation 1190078 (VCV001190078.2), dbSNP rs201005859, ClinGen allele CA754874.